The following is an entry in ClinVar:

ClinVar aggregate classification (germline): Uncertain significance. Review status: criteria provided, multiple submitters, no conflicts (2 of 4 stars). 2 submissions from 2 submitters: Uncertain significance (2). Last evaluated 2021-05-04.

Allele frequency attached by ClinVar (database versions not stated): gnomAD exomes below 0.00001; TOPMed below 0.00001.
gnomAD v4.1: 2 of 1,613,422 alleles (0.00012%); highest among the groups gnomAD compares: Non-Finnish European, 0.00017%; no homozygotes.

Submissions (2):

Revvity Omics, Revvity
Classification: Uncertain significance. Last evaluated: 2021-05-04. Review status: criteria provided, single submitter. Criteria: ACMG Guidelines, 2015. Collection method: clinical testing. Allele origin: germline.

ARUP Laboratories, Molecular Genetics and Genomics, ARUP Laboratories
Classification: Uncertain significance. Last evaluated: 2018-10-01. Review status: criteria provided, single submitter. Criteria: ARUP Molecular Germline Variant Investigation Process. Collection method: clinical testing. Allele origin: germline.
Comment: The TTN c.82910T>A; p.Ile27637Asn variant is rare in the general population (<1% allele frequency in the Genome Aggregation Database) and has not been reported in the medical literature in association with dilated cardiomyopathy (DCM) or other TTN-related disease. The clinical relevance of rare missense variants in this gene, which are identified on average once per individual sequenced in affected populations (Herman 2012), is not well understood. Yet, evidence suggests that the vast majority of such missense variants do not contribute to the clinical outcome of DCM (Begay 2015). Thus, the clinical significance of the p.Ile27637Asn variant cannot be determined with certainty. References: Begay RL et al. Role of Titin Missense Variants in Dilated Cardiomyopathy. J Am Heart Assoc. 2015 Nov 13;4(11). Herman DS et al. Truncations of titin causing dilated cardiomyopathy. N Engl J Med. 2012 Feb 16;366(7):619-28.

NM_001267550.2(TTN):c.90614T>A (p.Ile30205Asn)

Genes: TTN (titin; minus strand), TTN-AS1 (TTN antisense RNA 1; plus strand). Cytogenetic location: 2q31.2.
Variant type: single nucleotide variant.
Coding change: c.90614T>A on transcript NM_001267550.2 (MANE Select); coding-DNA position 90614, T replaced by A.
Protein change: p.Ile30205Asn; replaces isoleucine 30205 with asparagine.
Molecular consequence: missense variant.
Genome position (GRCh38, 1-based): chr2:178,552,286, A>T on the plus strand (T>A on the coding strand, the complement: TTN is on the minus strand). VCF-style: chr2-178552286-A-T. GRCh37 (hg19) VCF-style: chr2-179417013-A-T.
Other names: c.85691T>A, p.Ile28564Asn (NM_001256850.1); c.63419T>A, p.Ile21140Asn (NM_003319.4); c.82910T>A, p.Ile27637Asn (NM_133378.4); c.63794T>A, p.Ile21265Asn (NM_133432.3); c.63995T>A, p.Ile21332Asn (NM_133437.4); short protein forms I21140N, I21265N, I21332N, I27637N, I28564N, I30205N.
Identifiers: ClinVar variation 811757 (VCV000811757.10), dbSNP rs1283032526, ClinGen allele CA349509748.
Genomic context (GRCh38, chr2:178,552,286, plus strand): 5'-GGTGGGCCAAGGGTGATGACTGTAATGGGGACTGCAATTCTACACACTGCATTATCAAGA[A>T]TAACAGTGTATTTTCCTCCATGCTCCTTCTTGGCATTCTTAATACTCAAAGTAATTTTGT-3'
Protein context (NP_001254479.2, residues 30195-30215): KKEHGGKYTV[Ile30205Asn]LDNAVCRIAV